The following is an entry in ClinVar:

NM_000053.4(ATP7B):c.1829C>T (p.Pro610Leu)

Gene: ATP7B (ATPase copper transporting beta; minus strand). Cytogenetic location: 13q14.3.
Variant type: single nucleotide variant.
Coding change: c.1829C>T on transcript NM_000053.4 (MANE Select); coding-DNA position 1829, C replaced by T.
Protein change: p.Pro610Leu; replaces proline 610 with leucine.
Molecular consequence: missense variant.
Genome position (GRCh38, 1-based): chr13:51,964,912, G>A on the plus strand (C>T on the coding strand, the complement: ATP7B is on the minus strand). VCF-style: chr13-51964912-G-A. GRCh37 (hg19) VCF-style: chr13-52539048-G-A.
Other names: c.1829C>T, p.Pro610Leu (NM_001005918.3, NM_001330578.2, NM_001330579.2); c.1496C>T, p.Pro499Leu (NM_001243182.2); short protein forms P610L, P499L.
Identifiers: ClinVar variation 439430 (VCV000439430.24), dbSNP rs368381292, ClinGen allele CA6989218.

ClinVar aggregate classification (germline): Uncertain significance. Review status: criteria provided, multiple submitters, no conflicts (2 of 4 stars). 10 submissions from 10 submitters: Uncertain significance (9). 1 of the submissions does not count toward it. Last evaluated 2025-10-16.

Conditions:
Wilson disease (WND). Also called: Wilson's disease. Identifiers: Orphanet 905, MedGen C0019202, MONDO:0010200, OMIM 277900. Disease mechanism: loss of function.

Allele frequency attached by ClinVar (database versions not stated): ExAC 0.00003; ESP Exome Variant Server 0.00008; gnomAD 0.00008 and 0.00009; TOPMed 0.00009; gnomAD exomes 0.00010.
gnomAD v4.1: 136 of 1,613,728 alleles (0.0084%); highest among the groups gnomAD compares: Admixed American, 0.023%; no homozygotes.

Submissions (10):

Color Diagnostics, LLC DBA Color Health
Classification: Uncertain significance for Wilson disease. Last evaluated: 2025-10-16. Review status: criteria provided, single submitter. Criteria: ACMG Guidelines, 2015. Collection method: clinical testing. Allele origin: germline.
Comment: This missense variant replaces proline with leucine at codon 610 of the ATP7B protein. Computational prediction is inconclusive regarding the impact of this variant on protein structure and function. Functional studies have shown that this variant decreased expression and activity compared to wild-type (PMID: 40661833). This variant has been reported in an individual affected with Wilson disease (PMID: 39846592). This variant has been identified in 28/280952 chromosomes in the general population by the Genome Aggregation Database (gnomAD). The available evidence is insufficient to determine the role of this variant in disease conclusively. Therefore, this variant is classified as a Variant of Uncertain Significance.

All of Us Research Program, National Institutes of Health
Classification: Uncertain significance for Wilson disease. Last evaluated: 2024-10-01. Review status: criteria provided, single submitter. Criteria: ACMG Guidelines, 2015. Collection method: clinical testing. Allele origin: germline. Inheritance: Autosomal recessive inheritance. Observed: 28 variant alleles, 28 heterozygotes.
Comment: This missense variant replaces proline with leucine at codon 610 of the ATP7B protein. Computational prediction is inconclusive regarding the impact of this variant on protein structure and function (internally defined REVEL score threshold 0.5 < inconclusive < 0.7, PMID: 27666373). To our knowledge, functional studies have not been reported for this variant. This variant has not been reported in individuals affected with ATP7B-related disorders in the literature. This variant has been identified in 28/280952 chromosomes in the general population by the Genome Aggregation Database (gnomAD). The available evidence is insufficient to determine the role of this variant in disease conclusively. Therefore, this variant is classified as a Variant of Uncertain Significance.

This study involves interpretation of variants in research participants for the purpose of population health screening. Participant phenotype was not available at the time of variant classification. Additional details can be found in publication PMID: 35346344, PMCID: PMC8962531

Fulgent Genetics
Classification: Uncertain significance for Wilson disease. Last evaluated: 2024-01-16. Review status: criteria provided, single submitter. Criteria: ACMG Guidelines, 2015. Collection method: clinical testing. Allele origin: germline.

Revvity Omics, Revvity
Classification: Uncertain significance for Wilson disease. Last evaluated: 2023-04-04. Review status: criteria provided, single submitter. Criteria: ACMG Guidelines, 2015. Collection method: clinical testing. Allele origin: germline.

Labcorp Genetics (formerly Invitae), Labcorp
Classification: Uncertain significance for Wilson disease. Last evaluated: 2022-08-14. Review status: criteria provided, single submitter. Criteria: Invitae Variant Classification Sherloc (09022015). Collection method: clinical testing. Allele origin: germline.
Comment: This sequence change replaces proline, which is neutral and non-polar, with leucine, which is neutral and non-polar, at codon 610 of the ATP7B protein (p.Pro610Leu). This variant is present in population databases (rs368381292, gnomAD 0.03%). This variant has not been reported in the literature in individuals affected with ATP7B-related conditions. ClinVar contains an entry for this variant (Variation ID: 439430). Algorithms developed to predict the effect of missense changes on protein structure and function (SIFT, PolyPhen-2, Align-GVGD) all suggest that this variant is likely to be tolerated. In summary, the available evidence is currently insufficient to determine the role of this variant in disease. Therefore, it has been classified as a Variant of Uncertain Significance.

GeneDx
Classification: Uncertain significance. Last evaluated: 2022-02-24. Review status: criteria provided, single submitter. Criteria: GeneDx Variant Classification Process June 2021. Collection method: clinical testing. Allele origin: germline. Affected: yes.
Comment: In silico analysis supports that this missense variant has a deleterious effect on protein structure/function; This variant is associated with the following publications: (PMID: 31217899)

Genome-Nilou Lab
Classification: Uncertain significance for Wilson disease. Last evaluated: 2021-09-05. Review status: criteria provided, single submitter. Criteria: ACMG Guidelines, 2015. Collection method: clinical testing. Allele origin: germline. Affected: no.

Illumina Laboratory Services, Illumina
Classification: Uncertain significance for Wilson disease. Last evaluated: 2018-01-13. Review status: criteria provided, single submitter. Criteria: ICSL Variant Classification Criteria 13 December 2019. Collection method: clinical testing. Allele origin: germline.

ARUP Laboratories, Molecular Genetics and Genomics, ARUP Laboratories
Classification: Uncertain significance. Last evaluated: 2016-12-06. Review status: criteria provided, single submitter. Criteria: ARUP Molecular Germline Variant Investigation Process. Collection method: clinical testing. Allele origin: germline.

Natera, Inc.
Classification: Uncertain significance for Wilson disease. Last evaluated: 2020-09-16. Review status: no assertion criteria provided. Collection method: clinical testing. Allele origin: germline. Not counted in ClinVar's aggregate classification.

Literature cited by the submitters: PubMed 39846592 (cited by Color Diagnostics, LLC DBA Color Health); PubMed 40661833 (cited by Color Diagnostics, LLC DBA Color Health).